The following is an entry in ClinVar:

NM_173565.5(RSPH10B):c.80A>G (p.Asp27Gly)

Gene: RSPH10B (radial spoke head 10 homolog B; minus strand). Cytogenetic location: 7p22.1.
Variant type: single nucleotide variant.
Coding change: c.80A>G on transcript NM_173565.5 (MANE Select); coding-DNA position 80, A replaced by G.
Protein change: p.Asp27Gly; replaces aspartic acid 27 with glycine.
Molecular consequence: missense variant.
Genome position (GRCh38, 1-based): chr7:5,967,037, T>C on the plus strand (A>G on the coding strand, the complement: RSPH10B is on the minus strand). VCF-style: chr7-5967037-T-C. GRCh37 (hg19) VCF-style: chr7-6006668-T-C.
Other names: short protein forms D27G.
Identifiers: ClinVar variation 2347263 (VCV002347263.26), dbSNP rs201581470, ClinGen allele CA4150096.
Genomic context (GRCh38, chr7:5,967,037, plus strand): 5'-AATGGGACACCAGCTGGGGACATCTCTTGCCTAGTGGTGTTGCCATCTTGTTTGGAAAAG[T>C]CTAGATTATCAGAGAGAGATGAGGGAGAGCGGGCAGACTTCTCCCCTTTTTTGTCTGCTT-3'
Protein context (NP_775836.4, residues 17-37): RSPSSLSDNL[Asp27Gly]FSKQDGNTTR

ClinVar aggregate classification (germline): Conflicting classifications of pathogenicity. Review status: criteria provided, conflicting classifications (1 of 4 stars). 2 submissions from 2 submitters: Uncertain significance (1); Likely benign (1). Last evaluated 2025-03-27.

Allele frequency attached by ClinVar (database versions not stated): ESP Exome Variant Server 0.00018; gnomAD exomes 0.00036; ExAC 0.00070.

Submissions (2):

Ambry Genetics
Classification: Uncertain significance. Last evaluated: 2025-03-27. Review status: criteria provided, single submitter. Criteria: Ambry Variant Classification Scheme 2023. Collection method: clinical testing. Allele origin: germline.

CeGaT Center for Human Genetics Tuebingen
Classification: Likely benign. Last evaluated: 2022-12-01. Review status: criteria provided, single submitter. Criteria: CeGaT Center For Human Genetics Tuebingen Variant Classification Criteria Version 2. Collection method: clinical testing. Allele origin: germline. Affected: yes. Observed: 1 variant allele.
Comment: RSPH10B: BP4, BS2